The following is an entry in ClinVar:

NM_015662.3(IFT172):c.5032A>G (p.Ser1678Gly)

Genes: KRTCAP3 (keratinocyte associated protein 3; plus strand), IFT172 (intraflagellar transport 172; minus strand). Cytogenetic location: 2p23.3.
Variant type: single nucleotide variant.
Coding change: c.5032A>G on transcript NM_015662.3 (MANE Select); coding-DNA position 5032, A replaced by G.
Protein change: p.Ser1678Gly; replaces serine 1678 with glycine.
Molecular consequence: missense variant. On other transcripts: intron variant (1).
Genome position (GRCh38, 1-based): chr2:27,445,332, T>C on the plus strand (A>G on the coding strand, the complement: IFT172 is on the minus strand). VCF-style: chr2-27445332-T-C. GRCh37 (hg19) VCF-style: chr2-27668199-T-C.
Other names: c.4966A>G, p.Ser1656Gly (NM_001410739.1); c.*6-969T>C (NM_001168364.2); short protein forms S1656G, S1678G.
Identifiers: ClinVar variation 5001639 (VCV005001639.1).
Genomic context (GRCh38, chr2:27,445,332, plus strand): 5'-CTGGGGTGCTGTAGGCTTCTATACCTGTAATAAGGCAGGGCAGGGCTCGAACACCAGTGC[T>C]CGCTGCCACTAGGGAGGCCTCGTAGGCGCCACGCTCATCCCGAGGCAGAACCTGCTCCAG-3'
Protein context (NP_056477.1, residues 1668-1688): GAYEASLVAA[Ser1678Gly]TGVRALPCLI

ClinVar aggregate classification (germline): Uncertain significance (1 of 4 stars; one submission).

Conditions:
IFT172-related disorder. Also called: IFT172-related condition; IFT172-related disorders.

Submission:

PreventionGenetics, part of Exact Sciences
Classification: Uncertain significance for IFT172-related condition. Last evaluated: 2025-03-27. Review status: criteria provided, single submitter. Criteria: ACMG Guidelines, 2015. Collection method: clinical testing. Allele origin: germline.
Comment: The IFT172 c.5032A>G variant is predicted to result in the amino acid substitution p.Ser1678Gly. To our knowledge, this variant has not been reported in the literature or in a large population database (gnomAD), indicating this variant is rare. At this time, the clinical significance of this variant is uncertain due to the absence of conclusive functional and genetic evidence.